The following is an entry in ClinVar:

ClinVar aggregate classification (germline): Uncertain significance. Review status: criteria provided, multiple submitters, no conflicts (2 of 4 stars). 2 submissions from 2 submitters: Uncertain significance (2). Last evaluated 2025-10-13.

Allele frequency attached by ClinVar (database versions not stated): TOPMed 0.00003; gnomAD 0.00001; gnomAD exomes 0.00002; ExAC 0.00001.
gnomAD v4.1: 35 of 1,614,096 alleles (0.0022%); highest among the groups gnomAD compares: African/African-American, 0.008%; no homozygotes.

Submissions (2):

Labcorp Genetics (formerly Invitae), Labcorp
Classification: Uncertain significance. Last evaluated: 2025-10-13. Review status: criteria provided, single submitter. Criteria: Invitae Variant Classification Sherloc (09022015). Collection method: clinical testing. Allele origin: germline.
Comment: This sequence change replaces threonine, which is neutral and polar, with methionine, which is neutral and non-polar, at codon 329 of the SHPK protein (p.Thr329Met). This variant is present in population databases (rs761108830, gnomAD 0.007%). This variant has not been reported in the literature in individuals affected with SHPK-related conditions. ClinVar contains an entry for this variant (Variation ID: 1960112). An algorithm developed to predict the effect of missense changes on protein structure and function outputs the following: PolyPhen-2: "Benign". The methionine amino acid residue is found in multiple mammalian species, which suggests that this missense change does not adversely affect protein function. In summary, the available evidence is currently insufficient to determine the role of this variant in disease. Therefore, it has been classified as a Variant of Uncertain Significance.

Ambry Genetics
Classification: Uncertain significance. Last evaluated: 2025-09-26. Review status: criteria provided, single submitter. Criteria: Ambry Variant Classification Scheme 2023. Collection method: clinical testing. Allele origin: germline.

NM_013276.4(SHPK):c.986C>T (p.Thr329Met)

Gene: SHPK (sedoheptulokinase; minus strand). Cytogenetic location: 17p13.2.
Variant type: single nucleotide variant.
Coding change: c.986C>T on transcript NM_013276.4 (MANE Select); coding-DNA position 986, C replaced by T.
Protein change: p.Thr329Met; replaces threonine 329 with methionine.
Molecular consequence: missense variant.
Genome position (GRCh38, 1-based): chr17:3,615,375, G>A on the plus strand (C>T on the coding strand, the complement: SHPK is on the minus strand). VCF-style: chr17-3615375-G-A. GRCh37 (hg19) VCF-style: chr17-3518669-G-A.
Other names: c.986C>T (NM_013276.2); short protein forms T329M.
Identifiers: ClinVar variation 1960112 (VCV001960112.6), dbSNP rs761108830, ClinGen allele CA8291156.
Genomic context (GRCh38, chr17:3,615,375, plus strand): 5'-CGCTGTGTGGGCCACACCTTACCTAGATCTGCCATCCACTGAACCAGCATGTGGACGAAC[G>A]TGGCCAGCACATTGCCCCCGTTGAGTGACGCGGCCACCCCCAGGTAGGTCCTGTTGAAGT-3'
Protein context (NP_037408.2, residues 319-339): ASLNGGNVLA[Thr329Met]FVHMLVQWMA